The following is an entry in ClinVar:

ClinVar aggregate classification (germline): Uncertain significance (1 of 4 stars; one submission).

Submission:

Labcorp Genetics (formerly Invitae), Labcorp
Classification: Uncertain significance. Last evaluated: 2022-09-19. Review status: criteria provided, single submitter. Criteria: Invitae Variant Classification Sherloc (09022015). Collection method: clinical testing. Allele origin: germline.
Comment: This sequence change replaces arginine, which is basic and polar, with proline, which is neutral and non-polar, at codon 114 of the SCO2 protein (p.Arg114Pro). This variant is not present in population databases (gnomAD no frequency). This variant has not been reported in the literature in individuals affected with SCO2-related conditions. Advanced modeling of protein sequence and biophysical properties (such as structural, functional, and spatial information, amino acid conservation, physicochemical variation, residue mobility, and thermodynamic stability) performed at Invitae indicates that this missense variant is expected to disrupt SCO2 protein function. In summary, the available evidence is currently insufficient to determine the role of this variant in disease. Therefore, it has been classified as a Variant of Uncertain Significance.

NM_005138.3(SCO2):c.341G>C (p.Arg114Pro)

Genes: NCAPH2 (non-SMC condensin II complex subunit H2; plus strand), SCO2 (synthesis of cytochrome C oxidase 2; minus strand). Cytogenetic location: 22q13.33.
Variant type: single nucleotide variant.
Coding change: c.341G>C on transcript NM_005138.3 (MANE Select); coding-DNA position 341, G replaced by C.
Protein change: p.Arg114Pro; replaces arginine 114 with proline.
Molecular consequence: missense variant. On other transcripts: 3 prime UTR variant (2).
Genome position (GRCh38, 1-based): chr22:50,524,071, C>G on the plus strand (G>C on the coding strand, the complement: SCO2 is on the minus strand). VCF-style: chr22-50524071-C-G. GRCh37 (hg19) VCF-style: chr22-50962500-C-G.
Other names: c.*696C>G (NM_001185011.2, NM_152299.4); c.341G>C, p.Arg114Pro (NM_001169109.2, NM_001169110.1, NM_001169111.2); short protein forms R114P.
Identifiers: ClinVar variation 2094747 (VCV002094747.1), dbSNP rs145100473, ClinGen allele CA412193040.
Genomic context (GRCh38, chr22:50,524,071, plus strand): 5'-GGGCAGTGAGTGAAGCCAAAGTACATCAGCACCCACTGGCCCCGGAAGTCAGCCTTGCAG[C>G]GAGCCCGGCCTCTGTGATCCAGCAGGTGGAAGTCGCCCTGGCCCACAGCTGCCTGGCGCA-3'
Protein context (NP_005129.2, residues 104-124): FHLLDHRGRA[Arg114Pro]CKADFRGQWV